The following is an entry in ClinVar:

NM_001122955.4(BSCL2):c.272T>C (p.Leu91Pro)

Genes: BSCL2 (BSCL2 lipid droplet biogenesis associated, seipin; minus strand), HNRNPUL2-BSCL2 (HNRNPUL2-BSCL2 readthrough (NMD candidate); minus strand). Cytogenetic location: 11q12.3.
Variant type: single nucleotide variant.
Coding change: c.272T>C on transcript NM_001122955.4 (MANE Select); coding-DNA position 272, T replaced by C.
Protein change: p.Leu91Pro; replaces leucine 91 with proline.
Molecular consequence: missense variant. On other transcripts: non-coding transcript variant (1).
Genome position (GRCh38, 1-based): chr11:62,705,433, A>G on the plus strand (T>C on the coding strand, the complement: BSCL2 is on the minus strand). VCF-style: chr11-62705433-A-G. GRCh37 (hg19) VCF-style: chr11-62472905-A-G.
Other names: c.80T>C, p.Leu27Pro (NM_001130702.2, NM_032667.6); c.272T>C, p.Leu91Pro (NM_001386027.1, NM_001386028.1); short protein forms L27P, L91P.
Identifiers: ClinVar variation 245751 (VCV000245751.2), dbSNP rs879253928, ClinGen allele CA10584385.
Genomic context (GRCh38, chr11:62,705,433, plus strand): 5'-AAGACAGACACCCAGAGCAAAAGGAGGATGGTGCAGAAGAGCACCCCAAACTGCAGCAGC[A>G]GCCTGCGGGCACGGCCTGCCAAGACTTGGCCCACCTCCTGGGCCCACAGTAAGGCAGGTA-3'
Protein context (NP_001116427.1, residues 81-101): GQVLAGRARR[Leu91Pro]LLQFGVLFCT

ClinVar aggregate classification (germline): Uncertain significance (1 of 4 stars; one submission).

Submission:

GeneDx
Classification: Uncertain significance. Last evaluated: 2015-05-01. Review status: criteria provided, single submitter. Criteria: GeneDx Variant Classification (06012015). Collection method: clinical testing. Allele origin: germline. Affected: yes.
Comment: The L27P variant in the BSCL2 gene has not been published as a pathogenic variant, nor has it been reported as a benign polymorphism to our knowledge. The L27P variant was not observed in approximately 6,500 individuals of European and African American ancestry in the NHLBI Exome Sequencing Project, indicating it is not a common benign variant in these populations. The L27P variant is a semi-conservative amino acid substitution, which may impact secondary protein structure as these residues differ in some properties. This substitution occurs at a position that is conserved in mammals. However, in silico analysis is inconsistent in its predictions as to whether or not the variant is damaging to the protein structure/function. We interpret L27P as a variant of unknown significance.